The following is an entry in ClinVar:

NM_001378328.1(CELSR1):c.3968G>A (p.Arg1323Gln)

Gene: CELSR1 (cadherin EGF LAG seven-pass G-type receptor 1; minus strand). Cytogenetic location: 22q13.31.
Variant type: single nucleotide variant.
Coding change: c.3968G>A on transcript NM_001378328.1 (MANE Select); coding-DNA position 3968, G replaced by A.
Protein change: p.Arg1323Gln; replaces arginine 1323 with glutamine.
Molecular consequence: missense variant.
Genome position (GRCh38, 1-based): chr22:46,463,922, C>T on the plus strand (G>A on the coding strand, the complement: CELSR1 is on the minus strand). VCF-style: chr22-46463922-C-T. GRCh37 (hg19) VCF-style: chr22-46859819-C-T.
Other names: c.3968G>A, p.Arg1323Gln (NM_014246.4); short protein forms R1323Q.
Identifiers: ClinVar variation 3265757 (VCV003265757.2).

ClinVar aggregate classification (germline): Uncertain significance. Review status: criteria provided, multiple submitters, no conflicts (2 of 4 stars). 2 submissions from 2 submitters: Uncertain significance (2). Last evaluated 2024-12-26.

Conditions:
Lymphatic malformation 9. Identifiers: MedGen C5543365, MONDO:0030270, OMIM 619319.

gnomAD v4.1: 3 of 1,613,940 alleles (0.00019%); highest among the groups gnomAD compares: Non-Finnish European, 0.00025%; no homozygotes.

Submissions (2):

Clinical Genomics Laboratory, Washington University in St. Louis
Classification: Uncertain significance for Lymphatic malformation 9. Last evaluated: 2024-12-26. Review status: criteria provided, single submitter. Criteria: ACMG Guidelines, 2015. Collection method: clinical testing. Allele origin: germline.
Comment: A CELSR1 c.3968G>A (p.Arg1323Gln) variant was identified at a near heterozygous allelic fraction of 49.8%, a frequency which may be consistent with germline origin. This variant, to our knowledge, has not been reported in the medical literature. It has been reported in the ClinVar database as a germline variant of uncertain significance by one submitter (ClinVar ID: 3265757). The CELSR1 c.3968G>A (p.Arg1323Gln) variant is only observed on 3/1,613,940 alleles in the general population (gnomAD v.4.1.0), indicating it is not a common variant. Computational predictors suggest that the variant does not impact CELSR1 function. Due to limited information, and based on ACMG/AMP guidelines for variant interpretation (Richards S et al., PMID: 25741868), the clinical significance of this variant is uncertain at this time.

Ambry Genetics
Classification: Uncertain significance. Last evaluated: 2024-03-30. Review status: criteria provided, single submitter. Criteria: Ambry Variant Classification Scheme 2023. Collection method: clinical testing. Allele origin: germline.